The following is an entry in ClinVar:

NM_002693.3(POLG):c.1798C>T (p.Pro600Ser)

Gene: POLG (DNA polymerase gamma, catalytic subunit; minus strand). Cytogenetic location: 15q26.1.
Variant type: single nucleotide variant.
Coding change: c.1798C>T on transcript NM_002693.3 (MANE Select); coding-DNA position 1798, C replaced by T.
Protein change: p.Pro600Ser; replaces proline 600 with serine.
Molecular consequence: missense variant.
Genome position (GRCh38, 1-based): chr15:89,325,601, G>A on the plus strand (C>T on the coding strand, the complement: POLG is on the minus strand). VCF-style: chr15-89325601-G-A. GRCh37 (hg19) VCF-style: chr15-89868832-G-A.
Other names: c.1798C>T, p.Pro600Ser (NM_001126131.2); short protein forms P600S.
Identifiers: ClinVar variation 939873 (VCV000939873.11), dbSNP rs759840237, ClinGen allele CA7724684.

ClinVar aggregate classification (germline): Uncertain significance. Review status: criteria provided, multiple submitters, no conflicts (2 of 4 stars). 2 submissions from 2 submitters: Uncertain significance (2). Last evaluated 2025-08-29.

Conditions:
Progressive sclerosing poliodystrophy (MTDPS4A). Also called: NEURONAL DEGENERATION OF CHILDHOOD WITH LIVER DISEASE, PROGRESSIVE; ALPERS PROGRESSIVE INFANTILE POLIODYSTROPHY; Mitochondrial DNA Depletion Syndrome 4A; Alpers-Huttenlocher Syndrome (AHS); Alpers Syndrome; ALPERS DIFFUSE DEGENERATION OF CEREBRAL GRAY MATTER WITH HEPATIC CIRRHOSIS. Identifiers: Orphanet 726, MedGen C0205710, MONDO:0008758, OMIM 203700.

Allele frequency attached by ClinVar (database versions not stated): TOPMed below 0.00001.

Submissions (2):

Labcorp Genetics (formerly Invitae), Labcorp
Classification: Uncertain significance for Progressive sclerosing poliodystrophy. Last evaluated: 2025-08-29. Review status: criteria provided, single submitter. Criteria: Invitae Variant Classification Sherloc (09022015). Collection method: clinical testing. Allele origin: germline.
Comment: This sequence change replaces proline, which is neutral and non-polar, with serine, which is neutral and polar, at codon 600 of the POLG protein (p.Pro600Ser). This variant is present in population databases (rs759840237, gnomAD 0.003%). This variant has not been reported in the literature in individuals affected with POLG-related conditions. ClinVar contains an entry for this variant (Variation ID: 939873). Invitae Evidence Modeling of protein sequence and biophysical properties (such as structural, functional, and spatial information, amino acid conservation, physicochemical variation, residue mobility, and thermodynamic stability) indicates that this missense variant is expected to disrupt POLG protein function with a positive predictive value of 95%. In summary, the available evidence is currently insufficient to determine the role of this variant in disease. Therefore, it has been classified as a Variant of Uncertain Significance.

Revvity Omics, Revvity
Classification: Uncertain significance. Last evaluated: 2020-11-05. Review status: criteria provided, single submitter. Criteria: ACMG Guidelines, 2015. Collection method: clinical testing. Allele origin: germline.